The following is an entry in ClinVar:

ClinVar aggregate classification (germline): Likely benign (1 of 4 stars; one submission).

Allele frequency attached by ClinVar (database versions not stated): gnomAD 0.00010; ExAC 0.00018; TOPMed 0.00025; ESP Exome Variant Server 0.00031.
gnomAD v4.1: 739 of 1,614,224 alleles (0.046%); highest among the groups gnomAD compares: Middle Eastern, 0.53%; no homozygotes.

Submission:

CeGaT Center for Human Genetics Tuebingen
Classification: Likely benign. Last evaluated: 2023-03-01. Review status: criteria provided, single submitter. Criteria: CeGaT Center For Human Genetics Tuebingen Variant Classification Criteria Version 2. Collection method: clinical testing. Allele origin: germline. Affected: yes. Observed: 1 variant allele.
Comment: PCDHGA5: BP4, BP7

NM_018918.3(PCDHGA5):c.1776A>G (p.Val592=)

Genes: PCDHG@ (protocadherin gamma cluster; plus strand), PCDHGA1 (protocadherin gamma subfamily A, 1; plus strand), PCDHGA2 (protocadherin gamma subfamily A, 2; plus strand), PCDHGA3 (protocadherin gamma subfamily A, 3; plus strand), PCDHGA4 (protocadherin gamma subfamily A, 4; plus strand) and 3 more. Cytogenetic location: 5q31.3.
Variant type: single nucleotide variant.
Coding change: c.1776A>G on transcript NM_018918.3 (MANE Select); coding-DNA position 1776, A replaced by G.
Protein change: p.Val592=; no amino-acid change (valine 592 retained).
Molecular consequence: synonymous variant. On other transcripts: intron variant (6).
Genome position (GRCh38, 1-based): chr5:141,366,106, A>G. VCF-style: chr5-141366106-A-G. GRCh37 (hg19) VCF-style: chr5-140745673-A-G.
Other names: c.1776A>G, p.Val592= (NM_032054.2); c.2421+33001A>G (NM_018912.3); c.2424+24711A>G (NM_018915.4); c.2424+19649A>G (NM_018916.4); c.2409+13437A>G (NM_018922.3); c.2514+8485A>G (NM_018917.4); c.2421+3550A>G (NM_018923.3).
Identifiers: ClinVar variation 2655846 (VCV002655846.24), dbSNP rs375843095, ClinGen allele CA3470332.